The following is an entry in ClinVar:

ClinVar aggregate classification (germline): Uncertain significance (1 of 4 stars; one submission).

Conditions:
BBS7-related disorder. Also called: BBS7-related condition.

Submission:

PreventionGenetics, part of Exact Sciences
Classification: Uncertain significance for BBS7-related condition. Last evaluated: 2026-08-18. Review status: criteria provided, single submitter. Criteria: ACMG Guidelines, 2015. Collection method: clinical testing. Allele origin: germline.
Comment: The BBS7 c.1247A>C variant is predicted to result in the amino acid substitution p.Asp416Ala. To our knowledge, this variant has not been reported in the literature or in a large population database (gnomAD), indicating this variant is rare. At this time, the clinical significance of this variant is uncertain due to the absence of conclusive functional and genetic evidence.

NM_176824.3(BBS7):c.1247A>C (p.Asp416Ala)

Gene: BBS7 (Bardet-Biedl syndrome 7; minus strand). Cytogenetic location: 4q27.
Variant type: single nucleotide variant.
Coding change: c.1247A>C on transcript NM_176824.3 (MANE Select); coding-DNA position 1247, A replaced by C.
Protein change: p.Asp416Ala; replaces aspartic acid 416 with alanine.
Molecular consequence: missense variant.
Genome position (GRCh38, 1-based): chr4:121,843,985, T>G on the plus strand (A>C on the coding strand, the complement: BBS7 is on the minus strand). VCF-style: chr4-121843985-T-G. GRCh37 (hg19) VCF-style: chr4-122765140-T-G.
Other names: c.1247A>C, p.Asp416Ala (NM_018190.4); short protein forms D416A.
Identifiers: ClinVar variation 4981962 (VCV004981962.1).